The following is an entry in ClinVar:

NM_173495.3(PTCHD1):c.1910A>G (p.Asn637Ser)

Gene: PTCHD1 (patched domain containing 1; plus strand). Cytogenetic location: Xp22.11.
Variant type: single nucleotide variant.
Coding change: c.1910A>G on transcript NM_173495.3 (MANE Select); coding-DNA position 1910, A replaced by G.
Protein change: p.Asn637Ser; replaces asparagine 637 with serine.
Molecular consequence: missense variant.
Genome position (GRCh38, 1-based): chrX:23,393,428, A>G. VCF-style: chrX-23393428-A-G. GRCh37 (hg19) VCF-style: chrX-23411545-A-G.
Other names: short protein forms N637S.
Identifiers: ClinVar variation 2631204 (VCV002631204.1), dbSNP rs1922889844, ClinGen allele CA412586614.

ClinVar aggregate classification (germline): Uncertain significance (1 of 4 stars; one submission).

Conditions:
PTCHD1-related disorder. Also called: PTCHD1-related condition.

Allele frequency attached by ClinVar (database versions not stated): gnomAD exomes below 0.00001.
gnomAD v4.1: 5 of 1,211,082 alleles (0.00041%); highest among the groups gnomAD compares: East Asian, 0.003%; no homozygotes.

Submission:

PreventionGenetics, part of Exact Sciences
Classification: Uncertain significance for PTCHD1-related condition. Last evaluated: 2023-07-11. Review status: criteria provided, single submitter. Criteria: ACMG Guidelines, 2015. Collection method: clinical testing. Allele origin: germline.
Comment: The PTCHD1 c.1910A>G variant is predicted to result in the amino acid substitution p.Asn637Ser. To our knowledge, this variant has not been reported in the literature or in a large population database, indicating this variant is rare. At this time, the clinical significance of this variant is uncertain due to the absence of conclusive functional and genetic evidence.